The following is an entry in ClinVar:

NM_003931.3(WASF1):c.1398T>G (p.His466Gln)

Gene: WASF1 (WASP family member 1; minus strand). Cytogenetic location: 6q21.
Variant type: single nucleotide variant.
Coding change: c.1398T>G on transcript NM_003931.3 (MANE Select); coding-DNA position 1398, T replaced by G.
Protein change: p.His466Gln; replaces histidine 466 with glutamine.
Molecular consequence: missense variant.
Genome position (GRCh38, 1-based): chr6:110,101,712, A>C on the plus strand (T>G on the coding strand, the complement: WASF1 is on the minus strand). VCF-style: chr6-110101712-A-C. GRCh37 (hg19) VCF-style: chr6-110422915-A-C.
Other names: c.1398T>G, p.His466Gln (NM_001024934.2, NM_001024935.2, NM_001024936.2); short protein forms H466Q.
Identifiers: ClinVar variation 2656837 (VCV002656837.24), dbSNP rs762598369, ClinGen allele CA3956809.

ClinVar aggregate classification (germline): Likely benign (1 of 4 stars; one submission).

Allele frequency attached by ClinVar (database versions not stated): ExAC 0.00001; TOPMed 0.00001; gnomAD exomes 0.00003.
gnomAD v4.1: 47 of 1,614,020 alleles (0.0029%); highest among the groups gnomAD compares: Middle Eastern, 0.016%; no homozygotes.

Submission:

CeGaT Center for Human Genetics Tuebingen
Classification: Likely benign. Last evaluated: 2022-11-01. Review status: criteria provided, single submitter. Criteria: CeGaT Center For Human Genetics Tuebingen Variant Classification Criteria Version 2. Collection method: clinical testing. Allele origin: germline. Affected: yes. Observed: 1 variant allele.
Comment: WASF1: BP4